The following is an entry in ClinVar:

ClinVar aggregate classification (germline): Pathogenic (1 of 4 stars; one submission).

Submission:

Labcorp Genetics (formerly Invitae), Labcorp
Classification: Pathogenic. Last evaluated: 2024-03-04. Review status: criteria provided, single submitter. Criteria: Invitae Variant Classification Sherloc (09022015). Collection method: clinical testing. Allele origin: germline.
Comment: This sequence change creates a premature translational stop signal (p.Ala495Glyfs*8) in the ACAD9 gene. It is expected to result in an absent or disrupted protein product. Loss-of-function variants in ACAD9 are known to be pathogenic (PMID: 25721401). This variant is not present in population databases (gnomAD no frequency). This variant has not been reported in the literature in individuals affected with ACAD9-related conditions. For these reasons, this variant has been classified as Pathogenic.

Literature cited by the submitters: PubMed 25721401.

NM_014049.5(ACAD9):c.1483dup (p.Ala495fs)

Gene: ACAD9 (acyl-CoA dehydrogenase family member 9; plus strand). Cytogenetic location: 3q21.3.
Variant type: Duplication.
Coding change: c.1483dup on transcript NM_014049.5 (MANE Select); coding-DNA position 1483, one base duplicated (G; older notation c.1483dupG).
Protein change: p.Ala495fs; shifts the reading frame from alanine 495.
Molecular consequence: frameshift variant. On other transcripts: non-coding transcript variant (1).
Genome position (GRCh38, 1-based): chr3:128,909,097, G duplicated. VCF-style (leftmost placement, unchanged base first): chr3-128909096-T-TG. GRCh37 (hg19) VCF-style: chr3-128627939-T-TG.
Other names: c.1114dup, p.Ala372fs (NM_001410805.1); short protein forms A495fs, A372fs.
Identifiers: ClinVar variation 2761424 (VCV002761424.3), dbSNP rs2529279381, ClinGen allele CA2697556838.
Genomic context (GRCh38, chr3:128,909,096, plus strand): 5'-CCTGGGCCGAACTGTGGACCTGGGGCTGACAGGCAACCATGGAGTTGTGCACCCCAGTCT[T>TG]GCGGTGAGTGGGCCTAACAGGCATACCCCCTATTTCAATGCCCTCCTGCCAGATCTCCTT-3'